The following continues an entry in ClinVar:

NM_024675.4(PALB2):c.194C>T (p.Pro65Leu)

Gene: PALB2. ClinVar aggregate classification (germline): Conflicting classifications of pathogenicity. Uncertain significance (11); Likely benign (4).

Submissions 10 to 22 of 22:

St. Jude Molecular Pathology, St. Jude Children's Research Hospital
Classification: Uncertain significance for Familial cancer of breast. Last evaluated: 2024-03-26. Review status: criteria provided, single submitter. Criteria: St. Jude Assertion Criteria 2020. Collection method: clinical testing. Allele origin: germline.
Comment: The PALB2 c.194C>T (p.Pro65Leu) missense change has a maximum subpopulation frequency of 0.009% in gnomAD v2.1.1. The in silico tool REVEL predicts a benign effect on protein function, and a functional study supports that this variant does not substantially impact protein function (PMID: 31586400). To our knowledge, this variant has not been reported in individuals with Fanconi anemia. In summary, the evidence currently available is insufficient to determine the clinical significance of this variant. It has therefore been classified as of uncertain significance.

Myriad Genetics, Inc.
Classification: Likely benign for Familial cancer of breast. Last evaluated: 2023-03-31. Review status: criteria provided, single submitter. Criteria: Myriad Autosomal Dominant, Autosomal Recessive and X-Linked Classification Criteria (2023). Collection method: clinical testing. Allele origin: unknown.
Comment: This variant is considered likely benign. This variant is strongly associated with less severe personal and family histories of cancer, typical for individuals without pathogenic variants in this gene [PMID: 25085752].

Mendelics
Classification: Uncertain significance for Familial cancer of breast. Last evaluated: 2019-05-28. Review status: criteria provided, single submitter. Criteria: Mendelics Assertion Criteria 2017. Collection method: clinical testing. Allele origin: unknown.

Color Diagnostics, LLC DBA Color Health
Classification: Likely benign for Hereditary cancer-predisposing syndrome. Last evaluated: 2015-07-22. Review status: criteria provided, single submitter. Criteria: ACMG Guidelines, 2015. Collection method: clinical testing. Allele origin: germline.

Cancer Genetics Laboratory, Peter MacCallum Cancer Centre
Classification: Uncertain significance for Familial cancer of breast. Last evaluated: 2015-06-01. Review status: criteria provided, single submitter. Criteria: Thompson et al. (Breast Cancer Res. 2015). Collection method: case-control. Allele origin: germline. Affected: no. Observed: 1 variant allele, 1 heterozygote.

Institute of Human Genetics, University Hospital of Duesseldorf
Classification: Uncertain significance for Familial cancer of breast. Review status: criteria provided, single submitter. Criteria: ACMG Guidelines, 2015. Collection method: not provided. Allele origin: germline. Inheritance: Autosomal dominant inheritance. Affected: yes.

Leiden Open Variation Database
Classification: Uncertain significance for Pancreatic cancer, susceptibility to, 3. Last evaluated: 2019-05-13. Review status: no assertion criteria provided. Collection method: curation. Allele origin: germline. Affected: yes. Not counted in ClinVar's aggregate classification.
Comment: Curators: Marc Tischkowitz, Arleen D. Auerbach. Submitter to LOVD: Marc Tischkowitz.

Counsyl
Classification: Uncertain significance for Familial cancer of breast. Last evaluated: 2018-01-15. Review status: no assertion criteria provided. Collection method: clinical testing. Allele origin: unknown. Not counted in ClinVar's aggregate classification.

ITMI
No classification provided. Condition: AllHighlyPenetrant. Last evaluated: 2013-09-19. Review status: no classification provided. Collection method: reference population. Allele origin: germline. Not counted in ClinVar's aggregate classification.
Comment: Please see associated publication for description of ethnicities

Genome Diagnostics Laboratory, Amsterdam University Medical Center
Classification: Likely benign. Review status: no assertion criteria provided. Collection method: clinical testing. Allele origin: germline. Affected: yes. Study: VKGL Data-share Consensus. Not counted in ClinVar's aggregate classification.

Genome Diagnostics Laboratory, University Medical Center Utrecht
Classification: Likely benign. Review status: no assertion criteria provided. Collection method: clinical testing. Allele origin: germline. Affected: yes. Study: VKGL Data-share Consensus. Not counted in ClinVar's aggregate classification.

Joint Genome Diagnostic Labs from Nijmegen and Maastricht, Radboudumc and MUMC+
Classification: Likely benign. Review status: no assertion criteria provided. Collection method: clinical testing. Allele origin: germline. Affected: yes. Study: VKGL Data-share Consensus. Not counted in ClinVar's aggregate classification.

Laboratory of Diagnostic Genome Analysis, Leiden University Medical Center (LUMC)
Classification: Likely benign. Review status: no assertion criteria provided. Collection method: clinical testing. Allele origin: germline. Affected: yes. Study: VKGL Data-share Consensus. Not counted in ClinVar's aggregate classification.

Literature cited by the submitters: PubMed 20582465 (cited by 5 submitters); PubMed 25356972 (cited by 6 submitters); PubMed 26315354 (cited by 4 submitters); PubMed 26564480 (cited by 5 submitters); PubMed 35264596 (cited by 3 submitters); PubMed 31586400 (cited by 5 submitters); PubMed 29522266 (cited by 4 submitters); PubMed 33471991 (cited by 3 submitters); PubMed 24728327 (cited by 4 submitters); PubMed 25980754 (cited by 3 submitters); PubMed 26283626 (cited by 4 submitters); PubMed 28779002 (cited by 3 submitters); PubMed 33139182 (cited by Women's Health and Genetics/Laboratory Corporation of America, LabCorp and Quest Diagnostics Nichols Institute San Juan Capistrano); PubMed 34326862 (cited by Women's Health and Genetics/Laboratory Corporation of America, LabCorp and Quest Diagnostics Nichols Institute San Juan Capistrano); PubMed 39402389 (cited by Women's Health and Genetics/Laboratory Corporation of America, LabCorp and Quest Diagnostics Nichols Institute San Juan Capistrano); PubMed 32546565 (cited by Quest Diagnostics Nichols Institute San Juan Capistrano and Ambry Genetics); PubMed 38153744 (cited by Quest Diagnostics Nichols Institute San Juan Capistrano); PubMed 25085752 (cited by Myriad Genetics, Inc.).